The following is an entry in ClinVar:

ClinVar aggregate classification (germline): Uncertain significance. Review status: criteria provided, multiple submitters, no conflicts (2 of 4 stars). 2 submissions from 2 submitters: Uncertain significance (2). Last evaluated 2026-02-25.

Conditions:
Fanconi anemia (FA). Also called: Fanconi's anemia. Identifiers: Orphanet 84, MedGen C0015625, MeSH D005199, MONDO:0019391.
Inborn genetic diseases. Identifiers: MedGen C0950123, MeSH D030342.

Allele frequency attached by ClinVar (database versions not stated): gnomAD 0.00001.
gnomAD v4.1: 2 of 1,595,754 alleles (0.00013%); highest among the groups gnomAD compares: African/African-American, 0.0027%; no homozygotes.

Submissions (2):

Ambry Genetics
Classification: Uncertain significance for Inborn genetic diseases. Last evaluated: 2026-02-25. Review status: criteria provided, single submitter. Criteria: Ambry Variant Classification Scheme 2023. Collection method: clinical testing. Allele origin: germline.

Labcorp Genetics (formerly Invitae), Labcorp
Classification: Uncertain significance for Fanconi anemia. Last evaluated: 2020-07-15. Review status: criteria provided, single submitter. Criteria: Invitae Variant Classification Sherloc (09022015). Collection method: clinical testing. Allele origin: germline.
Comment: In summary, the available evidence is currently insufficient to determine the role of this variant in disease. Therefore, it has been classified as a Variant of Uncertain Significance. Algorithms developed to predict the effect of missense changes on protein structure and function output the following: SIFT: "Tolerated"; PolyPhen-2: "Benign"; Align-GVGD: "Class C0". The leucine amino acid residue is found in multiple mammalian species, suggesting that this missense change does not adversely affect protein function. These predictions have not been confirmed by published functional studies and their clinical significance is uncertain. This variant has not been reported in the literature in individuals with FANCM-related conditions. This variant is not present in population databases (ExAC no frequency). This sequence change replaces methionine with leucine at codon 669 of the FANCM protein (p.Met669Leu). The methionine residue is weakly conserved and there is a small physicochemical difference between methionine and leucine.

NM_020937.4(FANCM):c.2005A>T (p.Met669Leu)

Gene: FANCM (FA complementation group M; plus strand). Cytogenetic location: 14q21.2.
Variant type: single nucleotide variant.
Coding change: c.2005A>T on transcript NM_020937.4 (MANE Select); coding-DNA position 2005, A replaced by T.
Protein change: p.Met669Leu; replaces methionine 669 with leucine.
Molecular consequence: missense variant.
Genome position (GRCh38, 1-based): chr14:45,170,591, A>T. VCF-style: chr14-45170591-A-T. GRCh37 (hg19) VCF-style: chr14-45639794-A-T.
Other names: c.2005A>T (NM_020937.2); c.1927A>T, p.Met643Leu (NM_001308133.2); short protein forms M643L, M669L.
Identifiers: ClinVar variation 1015480 (VCV001015480.10), dbSNP rs1888274673, ClinGen allele CA389595753.